The following is an entry in ClinVar:

NM_021815.5(SLC5A7):c.275C>T (p.Ser92Phe)

Gene: SLC5A7 (solute carrier family 5 member 7; plus strand). Cytogenetic location: 2q12.3.
Variant type: single nucleotide variant.
Coding change: c.275C>T on transcript NM_021815.5 (MANE Select); coding-DNA position 275, C replaced by T.
Protein change: p.Ser92Phe; replaces serine 92 with phenylalanine.
Molecular consequence: missense variant. On other transcripts: 5 prime UTR variant (2).
Genome position (GRCh38, 1-based): chr2:107,992,202, C>T. VCF-style: chr2-107992202-C-T. GRCh37 (hg19) VCF-style: chr2-108608658-C-T.
Other names: c.275C>T, p.Ser92Phe (NM_001305005.3); c.-41C>T (NM_001305006.3); c.-430C>T (NM_001305007.3); short protein forms S92F.
Identifiers: ClinVar variation 464173 (VCV000464173.5), dbSNP rs60964124, ClinGen allele CA53409023.
Genomic context (GRCh38, chr2:107,992,202, plus strand): 5'-CTGAAGCAGTTTATGTACCAGGTTATGGCCTAGCTTGGGCTCAGGCACCAATTGGATATT[C>T]TCTTAGTCTGATTTTAGGTAAGTGAAAGTGCAAATCTCAGTGACTCACTCAGTAAAGTAT-3'
Protein context (NP_068587.1, residues 82-102): LAWAQAPIGY[Ser92Phe]LSLILGGLFF

ClinVar aggregate classification (germline): Uncertain significance (1 of 4 stars; one submission).

Conditions:
Congenital myasthenic syndrome 20. Also called: Myasthenic syndrome, congenital, 20, presynaptic. Identifiers: MedGen C4310694, MONDO:0014939, OMIM 617143.
Neuronopathy, distal hereditary motor, type 7A. Also called: NEURONOPATHY, DISTAL HEREDITARY MOTOR, HARDING TYPE VIIA; NEUROPATHY, DISTAL HEREDITARY MOTOR, HARDING TYPE VIIA; Neuronopathy, distal hereditary motor, autosomal dominant 7; Neuronopathy, distal hereditary motor, type viia; HARPER-YOUNG MYOPATHY; HMN VIIA. Identifiers: Orphanet 139589, MedGen C1834703, MONDO:0008024, OMIM 158580.

Submission:

Labcorp Genetics (formerly Invitae), Labcorp
Classification: Uncertain significance for Neuronopathy, distal hereditary motor, type 7A; Congenital myasthenic syndrome 20. Last evaluated: 2022-02-03. Review status: criteria provided, single submitter. Criteria: Invitae Variant Classification Sherloc (09022015). Collection method: clinical testing. Allele origin: germline.
Comment: This variant has not been reported in the literature in individuals affected with SLC5A7-related conditions. This variant is not present in population databases (gnomAD no frequency). This sequence change replaces serine, which is neutral and polar, with phenylalanine, which is neutral and non-polar, at codon 92 of the SLC5A7 protein (p.Ser92Phe). In summary, the available evidence is currently insufficient to determine the role of this variant in disease. Therefore, it has been classified as a Variant of Uncertain Significance. Algorithms developed to predict the effect of missense changes on protein structure and function are either unavailable or do not agree on the potential impact of this missense change (SIFT: "Deleterious"; PolyPhen-2: "Benign"; Align-GVGD: "Class C15"). ClinVar contains an entry for this variant (Variation ID: 464173).